The following is an entry in ClinVar:

NM_001184785.2(PARD3):c.3819C>T (p.Asn1273=)

Gene: PARD3 (par-3 family cell polarity regulator; minus strand). Cytogenetic location: 10p11.22.
Variant type: single nucleotide variant.
Coding change: c.3819C>T on transcript NM_001184785.2 (MANE Select); coding-DNA position 3819, C replaced by T.
Protein change: p.Asn1273=; no amino-acid change (asparagine 1273 retained).
Molecular consequence: synonymous variant.
Genome position (GRCh38, 1-based): chr10:34,111,412, G>A on the plus strand (C>T on the coding strand, the complement: PARD3 is on the minus strand). VCF-style: chr10-34111412-G-A. GRCh37 (hg19) VCF-style: chr10-34400340-G-A.
Other names: c.3828C>T (NM_019619.3); c.3780C>T, p.Asn1260= (NM_001184786.2); c.3717C>T, p.Asn1239= (NM_001184787.2); c.3690C>T, p.Asn1230= (NM_001184788.2); c.3579C>T, p.Asn1193= (NM_001184789.2); c.3558C>T, p.Asn1186= (NM_001184790.2); c.3492C>T, p.Asn1164= (NM_001184791.2); c.3828C>T, p.Asn1276= (NM_019619.4).
Identifiers: ClinVar variation 2640400 (VCV002640400.25), dbSNP rs549814889, ClinGen allele CA5467134.
Genomic context (GRCh38, chr10:34,111,412, plus strand): 5'-CTGCTCCTTCCGCCTCTGTTCCTGGCGAAGGAGCTCCTGAGTTTCCAGCATGACCCTGGC[G>A]TTGAAGCCATGTCCTCCCAGGTAGCCGTTCCTGGAGCCTTGGTAGCTGGAGTACCTGGGG-3'
Protein context (NP_001171714.1, residues 1263-1283): RNGYLGGHGF[Asn1273=]ARVMLETQEL

ClinVar aggregate classification (germline): Likely benign. Review status: criteria provided, single submitter (1 of 4 stars). 2 submissions from 2 submitters: Likely benign (1). 1 of the submissions does not count toward it. Last evaluated 2023-02-01.

Conditions:
PARD3-related disorder. Also called: PARD3-related condition.

Allele frequency attached by ClinVar (database versions not stated): gnomAD exomes 0.00016; gnomAD 0.00018; TOPMed 0.00034; ExAC 0.00054; 1000 Genomes Project 0.00060; 1000 Genomes Project 30x 0.00094.
gnomAD v4.1: 261 of 1,614,174 alleles (0.016%); highest among the groups gnomAD compares: Admixed American, 0.3%; no homozygotes.

Submissions (2):

CeGaT Center for Human Genetics Tuebingen
Classification: Likely benign. Last evaluated: 2023-02-01. Review status: criteria provided, single submitter. Criteria: CeGaT Center For Human Genetics Tuebingen Variant Classification Criteria Version 2. Collection method: clinical testing. Allele origin: germline. Affected: yes. Observed: 1 variant allele.
Comment: PARD3: BP4, BP7

PreventionGenetics, part of Exact Sciences
Classification: Likely benign for PARD3-related condition. Last evaluated: 2020-02-05. Review status: no assertion criteria provided. Collection method: clinical testing. Allele origin: germline. Not counted in ClinVar's aggregate classification.
Comment: This variant is classified as likely benign based on ACMG/AMP sequence variant interpretation guidelines (Richards et al. 2015 PMID: 25741868, with internal and published modifications).